The following is an entry in ClinVar:

ClinVar aggregate classification (germline): Likely benign. Review status: criteria provided, multiple submitters, no conflicts (2 of 4 stars). 2 submissions from 2 submitters: Likely benign (2). Last evaluated 2025-01-29.

Conditions:
Brugada syndrome. Also called: Sudden unexplained nocturnal death syndrome; Sudden Unexplained Death Syndrome; Sudden Unexplained Nocturnal Death Syndrome (SUNDS); Sudden unexpected nocturnal death syndrome. Identifiers: Orphanet 130, MedGen C1142166, MONDO:0015263.

Allele frequency attached by ClinVar (database versions not stated): TOPMed 0.00003; gnomAD 0.00004 and 0.00005; ExAC 0.00010; gnomAD exomes 0.00011; 1000 Genomes Project 0.00020.
gnomAD v4.1: 38 of 1,563,364 alleles (0.0024%); highest among the groups gnomAD compares: East Asian, 0.083%; no homozygotes.

Submissions (2):

Labcorp Genetics (formerly Invitae), Labcorp
Classification: Likely benign for Brugada syndrome. Last evaluated: 2025-01-29. Review status: criteria provided, single submitter. Criteria: Invitae Variant Classification Sherloc (09022015). Collection method: clinical testing. Allele origin: germline.

GeneDx
Classification: Likely benign. Last evaluated: 2017-11-27. Review status: criteria provided, single submitter. Criteria: GeneDx Variant Classification (06012015). Collection method: clinical testing. Allele origin: germline. Affected: yes.
Comment: This variant is considered likely benign or benign based on one or more of the following criteria: it is a conservative change, it occurs at a poorly conserved position in the protein, it is predicted to be benign by multiple in silico algorithms, and/or has population frequency not consistent with disease.

NM_000722.4(CACNA2D1):c.1441-12C>G

Gene: CACNA2D1 (calcium voltage-gated channel auxiliary subunit alpha2delta 1; minus strand). Cytogenetic location: 7q21.11.
Variant type: single nucleotide variant.
Coding change: c.1441-12C>G on transcript NM_000722.4 (MANE Select); 12 bases into the intron before coding-DNA position 1441, C replaced by G.
Molecular consequence: intron variant.
Genome position (GRCh38, 1-based): chr7:82,005,851, G>C on the plus strand (C>G on the coding strand, the complement: CACNA2D1 is on the minus strand). VCF-style: chr7-82005851-G-C. GRCh37 (hg19) VCF-style: chr7-81635167-G-C.
Other names: c.1441-12C>G (LRG_437t1, NM_001366867.1).
Identifiers: ClinVar variation 513602 (VCV000513602.8), dbSNP rs559623642, ClinGen allele CA4318040.
Genomic context (GRCh38, chr7:82,005,851, plus strand): 5'-TATCTTCCAAAGACACATCTACTCCCATCACACCAAGAATCAGCTGGTTCTATAATAAGA[G>C]GGCAAAAAATGGCATTTTATGTCAAAAATTTACGTATTTTTACACAATTATCATATGATC-3'